The following is an entry in ClinVar:

NM_152268.4(PARS2):c.499G>A (p.Ala167Thr)

Gene: PARS2 (prolyl-tRNA synthetase 2, mitochondrial; minus strand). Cytogenetic location: 1p32.3.
Variant type: single nucleotide variant.
Coding change: c.499G>A on transcript NM_152268.4 (MANE Select); coding-DNA position 499, G replaced by A.
Protein change: p.Ala167Thr; replaces alanine 167 with threonine.
Molecular consequence: missense variant.
Genome position (GRCh38, 1-based): chr1:54,758,663, C>T on the plus strand (G>A on the coding strand, the complement: PARS2 is on the minus strand). VCF-style: chr1-54758663-C-T. GRCh37 (hg19) VCF-style: chr1-55224336-C-T.
Other names: short protein forms A167T.
Identifiers: ClinVar variation 4292565 (VCV004292565.1).

ClinVar aggregate classification (germline): Uncertain significance (1 of 4 stars; one submission).

Conditions:
Developmental and epileptic encephalopathy, 75. Also called: EPILEPTIC ENCEPHALOPATHY, EARLY INFANTILE, 75. Identifiers: MedGen C5193099, MONDO:0032752, OMIM 618437.

gnomAD v4.1: 3 of 1,614,090 alleles (0.00019%); highest among the groups gnomAD compares: African/African-American, 0.0027%; no homozygotes.

Submission:

3billion
Classification: Uncertain significance for Developmental and epileptic encephalopathy, 75. Last evaluated: 2024-11-13. Review status: criteria provided, single submitter. Criteria: ACMG Guidelines, 2015. Collection method: clinical testing. Allele origin: germline. Affected: yes.
Comment: The variant is observed at an extremely low frequency in the gnomAD v4.1.0 dataset (total allele frequency: <0.001%). Predicted Consequence/Location: Missense variant. The majority of the known disease-causing variants of this gene are variants expected to result in premature termination of the protein. In silico tool predictions suggest damaging effect of the variant on gene or gene product [REVEL: 0.63 (>=0.6, sensitivity 0.68 and specificity 0.92); 3Cnet: 0.24 (>=0.6, sensitivity 0.72 and precision 0.9)]. Therefore, this variant is classified as VUS according to the recommendation of ACMG/AMP guideline.